The following is an entry in ClinVar:

ClinVar aggregate classification (germline): Uncertain significance (1 of 4 stars; one submission).

Conditions:
PCNT-related disorder. Also called: PCNT-related condition.

gnomAD v4.1: 20 of 1,614,130 alleles (0.0012%); highest among the groups gnomAD compares: East Asian, 0.018%; no homozygotes.

Submission:

PreventionGenetics, part of Exact Sciences
Classification: Uncertain significance for PCNT-related condition. Last evaluated: 2026-05-21. Review status: criteria provided, single submitter. Criteria: ACMG Guidelines, 2015. Collection method: clinical testing. Allele origin: germline.
Comment: The PCNT c.3770G>A variant is predicted to result in the amino acid substitution p.Arg1257Gln. To our knowledge, this variant has not been reported in the literature. This variant is reported in 0.045% of alleles in individuals of East Asian descent in gnomAD. At this time, the clinical significance of this variant is uncertain due to the absence of conclusive functional and genetic evidence.

NM_006031.6(PCNT):c.3770G>A (p.Arg1257Gln)

Gene: PCNT (pericentrin; plus strand). Cytogenetic location: 21q22.3.
Variant type: single nucleotide variant.
Coding change: c.3770G>A on transcript NM_006031.6 (MANE Select); coding-DNA position 3770, G replaced by A.
Protein change: p.Arg1257Gln; replaces arginine 1257 with glutamine.
Molecular consequence: missense variant.
Genome position (GRCh38, 1-based): chr21:46,389,361, G>A. VCF-style: chr21-46389361-G-A. GRCh37 (hg19) VCF-style: chr21-47809276-G-A.
Other names: c.3416G>A, p.Arg1139Gln (NM_001315529.2); short protein forms R1139Q, R1257Q.
Identifiers: ClinVar variation 5000936 (VCV005000936.1).